The following is an entry in ClinVar:

ClinVar aggregate classification (germline): Uncertain significance (1 of 4 stars; one submission).

Conditions:
Fanconi anemia (FA). Also called: Fanconi's anemia. Identifiers: Orphanet 84, MedGen C0015625, MeSH D005199, MONDO:0019391.

Submission:

Labcorp Genetics (formerly Invitae), Labcorp
Classification: Uncertain significance for Fanconi anemia. Last evaluated: 2024-02-15. Review status: criteria provided, single submitter. Criteria: Invitae Variant Classification Sherloc (09022015). Collection method: clinical testing. Allele origin: germline.
Comment: This sequence change replaces tryptophan, which is neutral and slightly polar, with cysteine, which is neutral and slightly polar, at codon 893 of the FANCA protein (p.Trp893Cys). This variant is not present in population databases (gnomAD no frequency). This variant has not been reported in the literature in individuals affected with FANCA-related conditions. Advanced modeling of protein sequence and biophysical properties (such as structural, functional, and spatial information, amino acid conservation, physicochemical variation, residue mobility, and thermodynamic stability) performed at Invitae indicates that this missense variant is expected to disrupt FANCA protein function with a positive predictive value of 80%. In summary, the available evidence is currently insufficient to determine the role of this variant in disease. Therefore, it has been classified as a Variant of Uncertain Significance.

NM_000135.4(FANCA):c.2679G>C (p.Trp893Cys)

Genes: FANCA (FA complementation group A; minus strand), LOC130059837 (ATAC-STARR-seq lymphoblastoid active region 11420; plus strand). Cytogenetic location: 16q24.3.
Variant type: single nucleotide variant.
Coding change: c.2679G>C on transcript NM_000135.4 (MANE Select); coding-DNA position 2679, G replaced by C.
Protein change: p.Trp893Cys; replaces tryptophan 893 with cysteine.
Molecular consequence: missense variant.
Genome position (GRCh38, 1-based): chr16:89,764,989, C>G on the plus strand (G>C on the coding strand, the complement: FANCA is on the minus strand). VCF-style: chr16-89764989-C-G. GRCh37 (hg19) VCF-style: chr16-89831397-C-G.
Other names: c.2679G>C, p.Trp893Cys (NM_001286167.3); short protein forms W893C.
Identifiers: ClinVar variation 3632905 (VCV003632905.2).
Genomic context (GRCh38, chr16:89,764,989, plus strand): 5'-GTGTGTCCAGAGAGAGAGGGCAGCTCTCTGCCAGTCTGCAGAAGGAAGGTGCAAGGGTCT[C>G]CAGGAAAGGCTGGCTACGTCCTCCTCAGAAAGAGGCTGTCGGGCCTCTGAGAACAATCTG-3'
Protein context (NP_000126.2, residues 883-903): LSEEDVASLS[Trp893Cys]RPLHLPSADW